The following is an entry in ClinVar:

ClinVar aggregate classification (germline): Uncertain significance (1 of 4 stars; one submission).

Submission:

GeneDx
Classification: Uncertain significance. Last evaluated: 2025-05-20. Review status: criteria provided, single submitter. Criteria: GeneDx Variant Classification Process June 2021. Collection method: clinical testing. Allele origin: germline. Affected: yes.
Comment: Not observed at significant frequency in large population cohorts (gnomAD); In silico analysis suggests that this missense variant does not alter protein structure/function; Has not been previously published as pathogenic or benign to our knowledge

NM_001018113.3(FANCB):c.2387G>A (p.Ser796Asn)

Gene: FANCB (FA complementation group B; minus strand). Cytogenetic location: Xp22.2.
Variant type: single nucleotide variant.
Coding change: c.2387G>A on transcript NM_001018113.3 (MANE Select); coding-DNA position 2387, G replaced by A.
Protein change: p.Ser796Asn; replaces serine 796 with asparagine.
Molecular consequence: missense variant.
Genome position (GRCh38, 1-based): chrX:14,843,760, C>T on the plus strand (G>A on the coding strand, the complement: FANCB is on the minus strand). VCF-style: chrX-14843760-C-T. GRCh37 (hg19) VCF-style: chrX-14861882-C-T.
Other names: c.2387G>A, p.Ser796Asn (NM_001324162.2, NM_001410764.1, NM_152633.4); short protein forms S796N.
Identifiers: ClinVar variation 4530852 (VCV004530852.1).